The following is an entry in ClinVar:

ClinVar aggregate classification (germline): Uncertain significance (1 of 4 stars; one submission).

Conditions:
Inborn genetic diseases. Identifiers: MedGen C0950123, MeSH D030342.

Submission:

Ambry Genetics
Classification: Uncertain significance for Inborn genetic diseases. Last evaluated: 2024-11-18. Review status: criteria provided, single submitter. Criteria: Ambry Variant Classification Scheme 2023. Collection method: clinical testing. Allele origin: germline.
Comment: The p.R524S variant (also known as c.1572G>T), located in coding exon 9 of the PIK3CA gene, results from a G to T substitution at nucleotide position 1572. The arginine at codon 524 is replaced by serine, an amino acid with dissimilar properties. This amino acid position is conserved. In addition, this alteration is predicted to be tolerated by in silico analysis. Based on the available evidence, the clinical significance of this variant remains unclear.

NM_006218.4(PIK3CA):c.1572G>T (p.Arg524Ser)

Gene: PIK3CA (phosphatidylinositol-4,5-bisphosphate 3-kinase catalytic subunit alpha; plus strand). Cytogenetic location: 3q26.32.
Variant type: single nucleotide variant.
Coding change: c.1572G>T on transcript NM_006218.4 (MANE Select); coding-DNA position 1572, G replaced by T.
Protein change: p.Arg524Ser; replaces arginine 524 with serine.
Molecular consequence: missense variant.
Genome position (GRCh38, 1-based): chr3:179,218,242, G>T. VCF-style: chr3-179218242-G-T. GRCh37 (hg19) VCF-style: chr3-178936030-G-T.
Other names: short protein forms R524S.
Identifiers: ClinVar variation 3418553 (VCV003418553.1).